The following is an entry in ClinVar:

ClinVar aggregate classification (germline): Uncertain significance (1 of 4 stars; one submission).

Allele frequency attached by ClinVar (database versions not stated): gnomAD exomes below 0.00001.
gnomAD v4.1: 1 of 1,613,926 alleles (0.000062%); highest among the groups gnomAD compares: African/African-American, 0.0013%; no homozygotes.

Submission:

Labcorp Genetics (formerly Invitae), Labcorp
Classification: Uncertain significance. Last evaluated: 2022-08-08. Review status: criteria provided, single submitter. Criteria: Invitae Variant Classification Sherloc (09022015). Collection method: clinical testing. Allele origin: germline.
Comment: In summary, the available evidence is currently insufficient to determine the role of this variant in disease. Therefore, it has been classified as a Variant of Uncertain Significance. Algorithms developed to predict the effect of missense changes on protein structure and function are either unavailable or do not agree on the potential impact of this missense change (SIFT: "Tolerated"; PolyPhen-2: "Possibly Damaging"; Align-GVGD: "Class C0"). This variant has not been reported in the literature in individuals affected with MSH3-related conditions. This variant is not present in population databases (gnomAD no frequency). This sequence change replaces valine, which is neutral and non-polar, with alanine, which is neutral and non-polar, at codon 825 of the MSH3 protein (p.Val825Ala).

NM_002439.5(MSH3):c.2474T>C (p.Val825Ala)

Gene: MSH3 (mutS homolog 3; plus strand). Cytogenetic location: 5q14.1.
Variant type: single nucleotide variant.
Coding change: c.2474T>C on transcript NM_002439.5 (MANE Select); coding-DNA position 2474, T replaced by C.
Protein change: p.Val825Ala; replaces valine 825 with alanine.
Molecular consequence: missense variant.
Genome position (GRCh38, 1-based): chr5:80,787,603, T>C. VCF-style: chr5-80787603-T-C. GRCh37 (hg19) VCF-style: chr5-80083422-T-C.
Other names: short protein forms V825A.
Identifiers: ClinVar variation 1715429 (VCV001715429.5), dbSNP rs2546784320, ClinGen allele CA360283146.